The following is an entry in ClinVar:

NM_016475.5(JKAMP):c.878del (p.Phe293fs)

Genes: JKAMP (JNK1/MAPK8 associated membrane protein; plus strand), L3HYPDH (trans-L-3-hydroxyproline dehydratase; minus strand). Cytogenetic location: 14q23.1.
Variant type: Deletion.
Coding change: c.878del on transcript NM_016475.5 (MANE Select); coding-DNA position 878, one base deleted (T; older notation c.878delT).
Protein change: p.Phe293fs; shifts the reading frame from phenylalanine 293.
Molecular consequence: frameshift variant. On other transcripts: 3 prime UTR variant (1).
Genome position (GRCh38, 1-based): chr14:59,504,014, T deleted; the last of 2 consecutive T bases (chr14:59,504,013-59,504,014); deleting either gives the same sequence. VCF-style (leftmost placement, unchanged base first): chr14-59504012-GT-G. GRCh37 (hg19) VCF-style: chr14-59970730-GT-G.
Other names: c.860del, p.Phe287fs (NM_001098625.3); c.920del, p.Phe307fs (NM_001284201.2); c.902del, p.Phe301fs (NM_001284202.2); c.689del, p.Phe230fs (NM_001284203.2); c.*159del (NM_001284204.2); short protein forms F230fs, F287fs, F293fs, F301fs, F307fs.
Identifiers: ClinVar variation 4072203 (VCV004072203.2).

ClinVar aggregate classification (germline): Uncertain significance. Review status: criteria provided, single submitter (1 of 4 stars). 2 submissions from 2 submitters: Uncertain significance (1). 1 of the submissions does not count toward it. Last evaluated 2025-07-29.

Conditions:
JKAMP neurodevelopmental disorder.
Neurodevelopmental disorder with seizures and impaired intellectual and language development. Identifiers: MedGen CN381014, MONDO:0981032, OMIM 621533.

Submissions (2):

Telethon Undiagnosed Diseases Program, Telethon Institute of Genetics and Medicine
Classification: Uncertain significance for JKAMP neurodevelopmental disorder. Last evaluated: 2025-07-29. Review status: criteria provided, single submitter. Criteria: ACMG Guidelines, 2015. Collection method: clinical testing. Allele origin: inherited. Inheritance: Autosomal recessive inheritance. Affected: yes. Observed: 1 compound heterozygote.
Comment: Whole exome sequencing was performed through GeneDx and analysis identified compound heterozygous variants in the JKAMP gene. A missense NM_016475.5:c.443 A>G.

OMIM
Classification: Pathogenic for NEURODEVELOPMENTAL DISORDER WITH SEIZURES AND IMPAIRED INTELLECTUAL AND LANGUAGE DEVELOPMENT. Last evaluated: 2026-03-10. Review status: no assertion criteria provided. Collection method: literature only. Allele origin: germline. Not counted in ClinVar's aggregate classification.

Literature cited by the submitters: PubMed 41643666 (cited by OMIM).